The following is an entry in ClinVar:

NM_001267550.2(TTN):c.95732G>A (p.Gly31911Glu)

Genes: TTN (titin; minus strand), TTN-AS1 (TTN antisense RNA 1; plus strand). Cytogenetic location: 2q31.2.
Variant type: single nucleotide variant.
Coding change: c.95732G>A on transcript NM_001267550.2 (MANE Select); coding-DNA position 95732, G replaced by A.
Protein change: p.Gly31911Glu; replaces glycine 31911 with glutamic acid.
Molecular consequence: missense variant.
Genome position (GRCh38, 1-based): chr2:178,544,497, C>T on the plus strand (G>A on the coding strand, the complement: TTN is on the minus strand). VCF-style: chr2-178544497-C-T. GRCh37 (hg19) VCF-style: chr2-179409224-C-T.
Other names: c.88028G>A, p.Gly29343Glu (NM_133378.4); c.90809G>A, p.Gly30270Glu (NM_001256850.1); c.68537G>A, p.Gly22846Glu (NM_003319.4); c.68912G>A, p.Gly22971Glu (NM_133432.3); c.69113G>A, p.Gly23038Glu (NM_133437.4); short protein forms G29343E, G31911E, G22846E, G22971E, G23038E, G30270E.
Identifiers: ClinVar variation 505587 (VCV000505587.5), dbSNP rs778837156, ClinGen allele CA60970714.

ClinVar aggregate classification (germline): Uncertain significance (1 of 4 stars; one submission).

Allele frequency attached by ClinVar (database versions not stated): gnomAD exomes below 0.00001; TOPMed below 0.00001.
gnomAD v4.1: 1 of 1,592,538 alleles (0.000063%); highest among the groups gnomAD compares: Non-Finnish European, 0.000086%; no homozygotes.

Submission:

Laboratory for Molecular Medicine, Mass General Brigham Personalized Medicine
Classification: Uncertain significance. Last evaluated: 2017-01-11. Review status: criteria provided, single submitter. Criteria: LMM Criteria. Collection method: clinical testing. Allele origin: germline. Observed: 1 variant allele.
Comment: The p.Gly29343Glu variant in TTN has not been previously reported in individuals with cardiomyopathy and was absent from large population studies. Computational prediction tools and conservation analysis do not provide strong support for or against an impact to the protein. In summary, the clinical significance of the p.Gly29343Glu variant is uncertain.